The following is an entry in ClinVar:

ClinVar aggregate classification (germline): Uncertain significance (1 of 4 stars; one submission).

Conditions:
Bloom syndrome (BLM). Also called: Bloom-Torre-Machacek syndrome. Identifiers: Orphanet 125, MedGen C0005859, MONDO:0008876, OMIM 210900.

Submission:

Labcorp Genetics (formerly Invitae), Labcorp
Classification: Uncertain significance for Bloom syndrome. Last evaluated: 2024-10-07. Review status: criteria provided, single submitter. Criteria: Invitae Variant Classification Sherloc (09022015). Collection method: clinical testing. Allele origin: germline.
Comment: This sequence change replaces glutamine, which is neutral and polar, with arginine, which is basic and polar, at codon 113 of the BLM protein (p.Gln113Arg). This variant is not present in population databases (gnomAD no frequency). This variant has not been reported in the literature in individuals affected with BLM-related conditions. ClinVar contains an entry for this variant (Variation ID: 1361039). An algorithm developed to predict the effect of missense changes on protein structure and function (PolyPhen-2) suggests that this variant is likely to be tolerated. In summary, the available evidence is currently insufficient to determine the role of this variant in disease. Therefore, it has been classified as a Variant of Uncertain Significance.

NM_000057.4(BLM):c.338A>G (p.Gln113Arg)

Gene: BLM (BLM RecQ like helicase; plus strand). Cytogenetic location: 15q26.1.
Variant type: single nucleotide variant.
Coding change: c.338A>G on transcript NM_000057.4 (MANE Select); coding-DNA position 338, A replaced by G.
Protein change: p.Gln113Arg; replaces glutamine 113 with arginine.
Molecular consequence: missense variant. On other transcripts: 5 prime UTR variant (1).
Genome position (GRCh38, 1-based): chr15:90,749,606, A>G. VCF-style: chr15-90749606-A-G. GRCh37 (hg19) VCF-style: chr15-91292836-A-G.
Other names: c.338A>G, p.Gln113Arg (NM_001287246.2, NM_001287247.2); c.-954A>G (NM_001287248.2); short protein forms Q113R.
Identifiers: ClinVar variation 1361039 (VCV001361039.7), dbSNP rs2151147149, ClinGen allele CA393840337.
Genomic context (GRCh38, chr15:90,749,606, plus strand): 5'-CTCCAGCAGGACAGGAAACACAGAGAGGTGGATCAAAATCATTATTGCCAGATTTCTTGC[A>G]GACTCCGAAGGAAGTTGTATGCACTACCCAAAACACACCAACTGTAAAGAAATCCCGGGA-3'
Protein context (NP_000048.1, residues 103-123): GSKSLLPDFL[Gln113Arg]TPKEVVCTTQ